The following is an entry in ClinVar:

ClinVar aggregate classification (germline): Likely benign. Review status: criteria provided, multiple submitters, no conflicts (2 of 4 stars). 2 submissions from 2 submitters: Likely benign (2). Last evaluated 2026-04-01.

gnomAD v4.1: 2,708 of 1,613,632 alleles (0.17%); highest among the groups gnomAD compares: Middle Eastern, 0.58%; 13 homozygotes.

Submissions (2):

CeGaT Center for Human Genetics Tuebingen
Classification: Likely benign. Last evaluated: 2026-04-01. Review status: criteria provided, single submitter. Criteria: CeGaT Center For Human Genetics Tuebingen Variant Classification Criteria Version 2. Collection method: clinical testing. Allele origin: germline. Affected: yes. Observed: 2 variant alleles.
Comment: HYDIN: BP4, BS2

Blueprint Genetics
Classification: Likely benign. Last evaluated: 2024-11-27. Review status: criteria provided, single submitter. Criteria: ACMG Guidelines, 2015. Collection method: clinical testing. Allele origin: germline.

NM_001270974.2(HYDIN):c.10652A>G (p.His3551Arg)

Gene: HYDIN (HYDIN axonemal central pair apparatus protein; minus strand). Cytogenetic location: 16q22.2.
Variant type: single nucleotide variant.
Coding change: c.10652A>G on transcript NM_001270974.2 (MANE Select); coding-DNA position 10652, A replaced by G.
Protein change: p.His3551Arg; replaces histidine 3551 with arginine.
Molecular consequence: missense variant.
Genome position (GRCh38, 1-based): chr16:70,874,825, T>C on the plus strand (A>G on the coding strand, the complement: HYDIN is on the minus strand). VCF-style: chr16-70874825-T-C. GRCh37 (hg19) VCF-style: chr16-70908728-T-C.
Other names: short protein forms H3551R.
Identifiers: ClinVar variation 4083741 (VCV004083741.9).